The following is an entry in ClinVar:

NM_000052.7(ATP7A):c.924A>G (p.Ile308Met)

Gene: ATP7A (ATPase copper transporting alpha; plus strand). Cytogenetic location: Xq21.1.
Variant type: single nucleotide variant.
Coding change: c.924A>G on transcript NM_000052.7 (MANE Select); coding-DNA position 924, A replaced by G.
Protein change: p.Ile308Met; replaces isoleucine 308 with methionine.
Molecular consequence: missense variant.
Genome position (GRCh38, 1-based): chrX:77,989,546, A>G. VCF-style: chrX-77989546-A-G. GRCh37 (hg19) VCF-style: chrX-77245042-A-G.
Other names: c.924A>G, p.Ile308Met (NM_001282224.2); short protein forms I308M.
Identifiers: ClinVar variation 2045277 (VCV002045277.5), dbSNP rs2522293888, ClinGen allele CA413601430.

ClinVar aggregate classification (germline): Conflicting classifications of pathogenicity. Review status: criteria provided, conflicting classifications (1 of 4 stars). 2 submissions from 2 submitters: Uncertain significance (1); Likely benign (1). Last evaluated 2024-10-22.

Conditions:
Menkes kinky-hair syndrome (MNK). Also called: Copper transport disease; Menkes Disease; Classic Menkes Disease. Identifiers: Orphanet 565, MedGen C0022716, MONDO:0010651, OMIM 309400.
X-linked distal spinal muscular atrophy type 3. Also called: ATP7A-Related Distal Motor Neuropathy; SPINAL MUSCULAR ATROPHY, DISTAL, X-LINKED RECESSIVE; NEURONOPATHY, DISTAL HEREDITARY MOTOR, X-LINKED; NEUROPATHY, DISTAL HEREDITARY MOTOR, X-LINKED. Identifiers: Orphanet 139557, MedGen C1845359, MONDO:0010338, OMIM 300489.
Cutis laxa, X-linked (OHS). Also called: EDS IX; Occipital horn syndrome. Identifiers: Orphanet 198, MedGen C0268353, MONDO:0010572, OMIM 304150.

Submissions (2):

Labcorp Genetics (formerly Invitae), Labcorp
Classification: Uncertain significance for X-linked distal spinal muscular atrophy type 3; Cutis laxa, X-linked; Menkes kinky-hair syndrome. Last evaluated: 2024-10-22. Review status: criteria provided, single submitter. Criteria: Invitae Variant Classification Sherloc (09022015). Collection method: clinical testing. Allele origin: germline.
Comment: This sequence change replaces isoleucine, which is neutral and non-polar, with methionine, which is neutral and non-polar, at codon 308 of the ATP7A protein (p.Ile308Met). This variant is not present in population databases (gnomAD no frequency). This variant has not been reported in the literature in individuals affected with ATP7A-related conditions. ClinVar contains an entry for this variant (Variation ID: 2045277). Invitae Evidence Modeling of protein sequence and biophysical properties (such as structural, functional, and spatial information, amino acid conservation, physicochemical variation, residue mobility, and thermodynamic stability) indicates that this missense variant is not expected to disrupt ATP7A protein function with a negative predictive value of 95%. In summary, the available evidence is currently insufficient to determine the role of this variant in disease. Therefore, it has been classified as a Variant of Uncertain Significance.

3billion
Classification: Likely benign for Menkes kinky-hair syndrome; X-linked distal spinal muscular atrophy type 3; Cutis laxa, X-linked. Last evaluated: 2024-09-20. Review status: criteria provided, single submitter. Criteria: ACMG Guidelines, 2015. Collection method: clinical testing. Allele origin: germline. Affected: no.
Comment: The hemizygous variant was found in patients diagnosed with another variant in a different gene, with no symptoms related to the gene containing the hemizygous variant.